The following is an entry in ClinVar:

ClinVar aggregate classification (germline): Uncertain significance (1 of 4 stars; one submission).

Conditions:
Early-infantile DEE. Also called: Early infantile epileptic encephalopathy; Ohtahara syndrome; Early infantile epileptic encephalopathy with suppression bursts. Identifiers: Orphanet 1934, MedGen C0393706, MONDO:0800491.

Allele frequency attached by ClinVar (database versions not stated): gnomAD exomes 0.00001.
gnomAD v4.1: 3 of 1,609,530 alleles (0.00019%); highest among the groups gnomAD compares: Non-Finnish European, 0.00017%; no homozygotes.

Submission:

Labcorp Genetics (formerly Invitae), Labcorp
Classification: Uncertain significance for Early-infantile DEE. Last evaluated: 2022-06-20. Review status: criteria provided, single submitter. Criteria: Invitae Variant Classification Sherloc (09022015). Collection method: clinical testing. Allele origin: germline.
Comment: This variant is not present in population databases (gnomAD no frequency). In summary, the available evidence is currently insufficient to determine the role of this variant in disease. Therefore, it has been classified as a Variant of Uncertain Significance. Algorithms developed to predict the effect of missense changes on protein structure and function are either unavailable or do not agree on the potential impact of this missense change (SIFT: "Tolerated"; PolyPhen-2: "Possibly Damaging"; Align-GVGD: "Class C0"). This variant has not been reported in the literature in individuals affected with ARHGEF15-related conditions. This sequence change replaces serine, which is neutral and polar, with glycine, which is neutral and non-polar, at codon 522 of the ARHGEF15 protein (p.Ser522Gly).

NM_173728.4(ARHGEF15):c.1564A>G (p.Ser522Gly)

Gene: ARHGEF15 (Rho guanine nucleotide exchange factor 15; plus strand). Cytogenetic location: 17p13.1.
Variant type: single nucleotide variant.
Coding change: c.1564A>G on transcript NM_173728.4 (MANE Select); coding-DNA position 1564, A replaced by G.
Protein change: p.Ser522Gly; replaces serine 522 with glycine.
Molecular consequence: missense variant.
Genome position (GRCh38, 1-based): chr17:8,315,897, A>G. VCF-style: chr17-8315897-A-G. GRCh37 (hg19) VCF-style: chr17-8219215-A-G.
Other names: c.1564A>G, p.Ser522Gly (NM_025014.2); short protein forms S522G.
Identifiers: ClinVar variation 2008673 (VCV002008673.4), dbSNP rs2543940065, ClinGen allele CA398021061.